The following is an entry in ClinVar:

ClinVar aggregate classification (germline): Likely pathogenic (0 of 4 stars; one submission).

Submission:

Diagnostics Centre, Carl Von Ossietzky University Oldenburg
Classification: Likely pathogenic. Last evaluated: 2025-08-11. Review status: no assertion criteria provided. Collection method: clinical testing. Allele origin: germline. Affected: yes. Observed: 1 variant allele.
Comment: The variant NM_000138.5(FBN1):c.4279T>C p.(Tyr1427His) located in the exon 35 of the FBN1 gene results results from a cytosine-to-guanine substitution at nucleotide position c.4279. The Tyrosine at protein position 1427 is replaced by a Hystidine. Missense variants in this gene or the affected region are a known disease mechanism and are rare in the general population. The affected protein region has significant levels of missense constrain. In silico tools predict a significant deleterious effect in the protein structure/function (REVEL = 0,89). The affected position is located within the functionally essential cEGF (Complement C1r-like EGF-like) domain of the protein. The variant is classified as very rare since it is absent in gnomAD v4.1.0. In summary, this variant is classified as Likely pathogenic.

NM_000138.5(FBN1):c.4279T>C (p.Tyr1427His)

Genes: FBN1 (fibrillin 1; minus strand), LOC126862124 (CDK7 strongly-dependent group 2 enhancer GRCh37_chr15:48764566-48765765; plus strand). Cytogenetic location: 15q21.1.
Variant type: single nucleotide variant.
Coding change: c.4279T>C on transcript NM_000138.5 (MANE Select); coding-DNA position 4279, T replaced by C.
Protein change: p.Tyr1427His; replaces tyrosine 1427 with histidine.
Molecular consequence: missense variant.
Genome position (GRCh38, 1-based): chr15:48,472,608, A>G on the plus strand (T>C on the coding strand, the complement: FBN1 is on the minus strand). VCF-style: chr15-48472608-A-G. GRCh37 (hg19) VCF-style: chr15-48764805-A-G.
Other names: c.4279T>C, p.Tyr1427His (NM_001406716.1); short protein forms Y1427H.
Identifiers: ClinVar variation 4886792 (VCV004886792.1).